The following is an entry in ClinVar:

NM_020207.7(ERCC6L2):c.184A>G (p.Arg62Gly)

Gene: ERCC6L2 (ERCC excision repair 6 like 2; plus strand). Cytogenetic location: 9q22.32.
Variant type: single nucleotide variant.
Coding change: c.184A>G on transcript NM_020207.7 (MANE Select); coding-DNA position 184, A replaced by G.
Protein change: p.Arg62Gly; replaces arginine 62 with glycine.
Molecular consequence: missense variant. On other transcripts: non-coding transcript variant (1).
Genome position (GRCh38, 1-based): chr9:95,881,006, A>G. VCF-style: chr9-95881006-A-G. GRCh37 (hg19) VCF-style: chr9-98643288-A-G.
Other names: c.184A>G, p.Arg62Gly (NM_001010895.4, NM_001375291.1, NM_001375292.1 and 2 more transcripts); short protein forms R62G.
Identifiers: ClinVar variation 4019316 (VCV004019316.1).
Genomic context (GRCh38, chr9:95,881,006, plus strand): 5'-ATCACAGTGGATGAAAATGGCAAGTCATTTGCAGTCGTCTTATATGCAGATTTTCAAGAA[A>G]GGAAAATACCTCTTAAACAGCTTCAAGAAGTGAAATTTGTTAAAGATTGCCCTAGGAATC-3'
Protein context (NP_064592.3, residues 52-72): AVVLYADFQE[Arg62Gly]KIPLKQLQEV

ClinVar aggregate classification (germline): Uncertain significance (1 of 4 stars; one submission).

Conditions:
Inborn genetic diseases. Identifiers: MedGen C0950123, MeSH D030342.

Submission:

Ambry Genetics
Classification: Uncertain significance for Inborn genetic diseases. Last evaluated: 2025-04-18. Review status: criteria provided, single submitter. Criteria: Ambry Variant Classification Scheme 2023. Collection method: clinical testing. Allele origin: germline.
Comment: The p.R62G variant (also known as c.184A>G), located in coding exon 2 of the ERCC6L2 gene, results from an A to G substitution at nucleotide position 184. The arginine at codon 62 is replaced by glycine, an amino acid with dissimilar properties. This amino acid position is conserved. In addition, this alteration is predicted to be tolerated by in silico analysis. Based on the available evidence, the clinical significance of this variant remains unclear.